The following is an entry in ClinVar:

ClinVar aggregate classification (germline): Likely benign (1 of 4 stars; one submission).

Allele frequency attached by ClinVar (database versions not stated): gnomAD 0.00007; TOPMed 0.00005 and 0.00006.

Submission:

GeneDx
Classification: Likely benign. Last evaluated: 2016-06-07. Review status: criteria provided, single submitter. Criteria: GeneDx Variant Classification (06012015). Collection method: clinical testing. Allele origin: germline. Affected: yes.
Comment: This variant is considered likely benign or benign based on one or more of the following criteria: it is a conservative change, it occurs at a poorly conserved position in the protein, it is predicted to be benign by multiple in silico algorithms, and/or has population frequency not consistent with disease.

NM_003036.4(SKI):c.-19G>A

Gene: SKI (SKI proto-oncogene; plus strand). Cytogenetic location: 1p36.33.
Variant type: single nucleotide variant.
Coding change: c.-19G>A on transcript NM_003036.4 (MANE Select); 19 bases upstream of the start codon, G replaced by A.
Molecular consequence: 5 prime UTR variant.
Genome position (GRCh38, 1-based): chr1:2,228,748, G>A. VCF-style: chr1-2228748-G-A. GRCh37 (hg19) VCF-style: chr1-2160187-G-A.
Identifiers: ClinVar variation 386778 (VCV000386778.1), dbSNP rs1003998999, ClinGen allele CA16603550.